The following is an entry in ClinVar:

NM_003476.5(CSRP3):c.400A>G (p.Met134Val)

Gene: CSRP3 (cysteine and glycine rich protein 3; minus strand). Cytogenetic location: 11p15.1.
Variant type: single nucleotide variant.
Coding change: c.400A>G on transcript NM_003476.5 (MANE Select); coding-DNA position 400, A replaced by G.
Protein change: p.Met134Val; replaces methionine 134 with valine.
Molecular consequence: missense variant. On other transcripts: synonymous variant (1).
Genome position (GRCh38, 1-based): chr11:19,186,230, T>C on the plus strand (A>G on the coding strand, the complement: CSRP3 is on the minus strand). VCF-style: chr11-19186230-T-C. GRCh37 (hg19) VCF-style: chr11-19207777-T-C.
Other names: c.231A>G, p.Leu77= (NM_001369404.1); short protein forms M134V.
Identifiers: ClinVar variation 3757427 (VCV003757427.4).
Genomic context (GRCh38, chr11:19,186,230, plus strand): 5'-TGGTGGAGATGAGCAAATTCTGTCTGGCTCATACAGAAGGTCTTACCTTGCCACCTCCCA[T>C]AACCTTCTCAGCAGCATAGACTGACTTGCCACATCGAGGGCACTTCTCGGACTCTCCAAA-3'
Protein context (NP_003467.1, residues 124-144): GKSVYAAEKV[Met134Val]GGGKPWHKTC

ClinVar aggregate classification (germline): Uncertain significance. Review status: criteria provided, multiple submitters, no conflicts (2 of 4 stars). 2 submissions from 2 submitters: Uncertain significance (2). Last evaluated 2026-09-04.

Conditions:
Hypertrophic cardiomyopathy 12. Identifiers: MedGen C2677491, MONDO:0012804, OMIM 612124.
Dilated cardiomyopathy 1M (CMD1M). Identifiers: Orphanet 154, MedGen C1843808, MONDO:0011840, OMIM 607482.
Cardiovascular phenotype. Identifiers: MedGen CN230736.

Submissions (2):

Ambry Genetics
Classification: Uncertain significance for Cardiovascular phenotype. Last evaluated: 2026-09-04. Review status: criteria provided, single submitter. Criteria: Ambry Variant Classification Scheme 2023. Collection method: clinical testing. Allele origin: germline.
Comment: The p.M134V variant (also known as c.400A>G), located in coding exon 3 of the CSRP3 gene, results from an A to G substitution at nucleotide position 400. The methionine at codon 134 is replaced by valine, an amino acid with highly similar properties. This amino acid position is conserved. In addition, the in silico prediction for this alteration is inconclusive. Based on the available evidence, the clinical significance of this variant remains unclear.

Labcorp Genetics (formerly Invitae), Labcorp
Classification: Uncertain significance for Hypertrophic cardiomyopathy 12; Dilated cardiomyopathy 1M. Last evaluated: 2024-07-27. Review status: criteria provided, single submitter. Criteria: Invitae Variant Classification Sherloc (09022015). Collection method: clinical testing. Allele origin: germline.
Comment: This sequence change replaces methionine, which is neutral and non-polar, with valine, which is neutral and non-polar, at codon 134 of the CSRP3 protein (p.Met134Val). This variant is not present in population databases (gnomAD no frequency). This variant has not been reported in the literature in individuals affected with CSRP3-related conditions. An algorithm developed to predict the effect of missense changes on protein structure and function (PolyPhen-2) suggests that this variant is likely to be disruptive. In summary, the available evidence is currently insufficient to determine the role of this variant in disease. Therefore, it has been classified as a Variant of Uncertain Significance.